The following is an entry in ClinVar:

ClinVar aggregate classification (germline): Uncertain significance (1 of 4 stars; one submission).

Conditions:
Hereditary sensory and autonomic neuropathy type 7. Also called: Neuropathy, hereditary sensory and autonomic, type VII; HSAN VII. Identifiers: Orphanet 391397, MedGen C3809882, MONDO:0014244, OMIM 615548.
Familial episodic pain syndrome with predominantly lower limb involvement. Also called: Episodic pain syndrome, familial, 3. Identifiers: Orphanet 391384, Orphanet 391392, MedGen C3809899, MONDO:0014247, OMIM 615552.

Submission:

Labcorp Genetics (formerly Invitae), Labcorp
Classification: Uncertain significance for Familial episodic pain syndrome with predominantly lower limb involvement; Hereditary sensory and autonomic neuropathy type 7. Last evaluated: 2025-11-13. Review status: criteria provided, single submitter. Criteria: Invitae Variant Classification Sherloc (09022015). Collection method: clinical testing. Allele origin: germline.
Comment: This sequence change replaces isoleucine, which is neutral and non-polar, with threonine, which is neutral and polar, at codon 135 of the SCN11A protein (p.Ile135Thr). This variant is not present in population databases (gnomAD no frequency). This variant has not been reported in the literature in individuals affected with SCN11A-related conditions. ClinVar contains an entry for this variant (Variation ID: 1465473). Invitae Evidence Modeling of protein sequence and biophysical properties (such as structural, functional, and spatial information, amino acid conservation, physicochemical variation, residue mobility, and thermodynamic stability) indicates that this missense variant is expected to disrupt SCN11A protein function with a positive predictive value of 80%. In summary, the available evidence is currently insufficient to determine the role of this variant in disease. Therefore, it has been classified as a Variant of Uncertain Significance.

NM_001349253.2(SCN11A):c.404T>C (p.Ile135Thr)

Gene: SCN11A (sodium voltage-gated channel alpha subunit 11; minus strand). Cytogenetic location: 3p22.2.
Variant type: single nucleotide variant.
Coding change: c.404T>C on transcript NM_001349253.2 (MANE Select); coding-DNA position 404, T replaced by C.
Protein change: p.Ile135Thr; replaces isoleucine 135 with threonine.
Molecular consequence: missense variant.
Genome position (GRCh38, 1-based): chr3:38,945,495, A>G on the plus strand (T>C on the coding strand, the complement: SCN11A is on the minus strand). VCF-style: chr3-38945495-A-G. GRCh37 (hg19) VCF-style: chr3-38986986-A-G.
Other names: c.404T>C, p.Ile135Thr (NM_014139.3); short protein forms I135T.
Identifiers: ClinVar variation 1465473 (VCV001465473.8), dbSNP rs2125572915, ClinGen allele CA352175419.